The following is an entry in ClinVar:

ClinVar aggregate classification (germline): Uncertain significance. Review status: reviewed by expert panel (3 of 4 stars). 2 submissions from 2 submitters: Uncertain significance (1). 1 of the submissions does not count toward it. Last evaluated 2024-10-29.

Conditions:
Hereditary thrombocytopenia and hematologic cancer predisposition syndrome. Identifiers: Orphanet 71290, MedGen CN281654, MONDO:0011071.
Hereditary thrombocytopenia and hematological cancer predisposition syndrome associated with RUNX1. Also called: PLATELET DISORDER, ASPIRIN-LIKE; RUNX1 Familial Platelet Disorder with Associated Myeloid Malignancies; Familial Platelet Disorder with Propensity to Acute Myelogenous Leukemia; Familial thrombocytopenia with propensity to acute myelogenous leukemia. Identifiers: Orphanet 71290, MedGen C1832388, MeSH C563324, MONDO:0100083, OMIM 601399.

Allele frequency attached by ClinVar (database versions not stated): TOPMed below 0.00001; gnomAD 0.00001.

Submissions (2):

ClinGen Myeloid Malignancy Variant Curation Expert Panel
Classification: Uncertain significance for Hereditary thrombocytopenia and hematologic cancer predisposition syndrome. Last evaluated: 2024-10-29. Review status: reviewed by expert panel. Criteria: ClinGen MyeloMalig ACMG Specifications v2. Collection method: curation. Allele origin: germline. Inheritance: Autosomal dominant inheritance.
Comment: NM_001754.5(RUNX1):c.598C>T (p.Pro200Ser) is a missense variant which has a REVEL score ≥ 0.88 (0.941) (PP3). This variant affects one of the residues within the Runt Homology Domain (AA 89-204) but not in an established hotspot residue (PM1_Supporting). In summary, the clinical significance of this variant is uncertain. ACMG/AMP criteria applied, as specified by the Myeloid Malignancy Variant Curation Expert Panel for RUNX1: PP3, PM1_supporting.

ISTH-SSC Genomics in Thrombosis and Hemostasis, KU Leuven, Center for Molecular and Vascular Biology
Classification: Uncertain significance for Hereditary thrombocytopenia and hematological cancer predisposition syndrome associated with RUNX1. Review status: no assertion criteria provided. Collection method: research. Allele origin: unknown. Affected: yes. Not counted in ClinVar's aggregate classification.
Comment: Submitted to GoldVariant by Dr Karyn Mégy from NIHR Bioresource - Cambridge University, UK

NM_001754.5(RUNX1):c.598C>T (p.Pro200Ser)

Genes: RUNX1 (RUNX family transcription factor 1; minus strand), RUNX1-AS1 (RUNX1 antisense RNA 1; plus strand). Cytogenetic location: 21q22.12.
Variant type: single nucleotide variant.
Coding change: c.598C>T on transcript NM_001754.5 (MANE Select); coding-DNA position 598, C replaced by T.
Protein change: p.Pro200Ser; replaces proline 200 with serine.
Molecular consequence: missense variant.
Genome position (GRCh38, 1-based): chr21:34,859,489, G>A on the plus strand (C>T on the coding strand, the complement: RUNX1 is on the minus strand). VCF-style: chr21-34859489-G-A. GRCh37 (hg19) VCF-style: chr21-36231786-G-A.
Other names: NM_001754.5(RUNX1):c.598C>T; p.Pro200Ser; c.517C>T, p.Pro173Ser (NM_001001890.3, NM_001122607.2); short protein forms P173S, P200S.
Identifiers: ClinVar variation 1684411 (VCV001684411.2), dbSNP rs2057540992, ClinGen allele CA410207961.
Genomic context (GRCh38, chr21:34,859,489, plus strand): 5'-TGTACCAGCCTGGAGGGTGTACCAGCCCCAAGTGGATGCACTTACTTCGAGGTTCTCGGG[G>A]CCCATCCACTGTGATTTTGATGGCTCTGTGGTAGGTGGCGACTTGCGGTGGGTTTGTGAA-3'
Protein context (NP_001745.2, residues 190-210): HRAIKITVDG[Pro200Ser]REPRRHRQKL